The following is an entry in ClinVar:

NM_000218.3(KCNQ1):c.468C>T (p.Leu156=)

Gene: KCNQ1 (potassium voltage-gated channel subfamily Q member 1; plus strand). Cytogenetic location: 11p15.5.
Variant type: single nucleotide variant.
Coding change: c.468C>T on transcript NM_000218.3 (MANE Select); coding-DNA position 468, C replaced by T.
Protein change: p.Leu156=; no amino-acid change (leucine 156 retained).
Molecular consequence: synonymous variant.
Genome position (GRCh38, 1-based): chr11:2,528,009, C>T. VCF-style: chr11-2528009-C-T. GRCh37 (hg19) VCF-style: chr11-2549239-C-T.
Other names: c.468C>T, p.Leu156= (NM_001406836.1, NM_001406838.1); c.198C>T, p.Leu66= (NM_001406837.1); c.87C>T, p.Leu29= (NM_181798.2).
Identifiers: ClinVar variation 2968724 (VCV002968724.4), dbSNP rs775104031, ClinGen allele CA472038275.

ClinVar aggregate classification (germline): Likely benign. Review status: criteria provided, multiple submitters, no conflicts (2 of 4 stars). 2 submissions from 2 submitters: Likely benign (2). Last evaluated 2024-07-20.

Conditions:
Long QT syndrome (LQTS). Identifiers: MedGen C0023976, MeSH D008133, MONDO:0002442. Disease mechanism: loss of function. Inheritance: Various modes of inheritance.

Allele frequency attached by ClinVar (database versions not stated): TOPMed 0.00001.
gnomAD v4.1: 1 of 1,613,084 alleles (0.000062%); highest among the groups gnomAD compares: African/African-American, 0.0013%; no homozygotes.

Submissions (2):

All of Us Research Program, National Institutes of Health
Classification: Likely benign for Long QT syndrome. Last evaluated: 2024-07-20. Review status: criteria provided, single submitter. Criteria: ACMG Guidelines, 2015. Collection method: clinical testing. Allele origin: germline. Inheritance: Autosomal dominant inheritance. Observed: 1 variant allele, 1 heterozygote.
Comment: This study involves interpretation of variants in research participants for the purpose of population health screening. Participant phenotype was not available at the time of variant classification. Additional details can be found in publication PMID: 35346344, PMCID: PMC8962531

Labcorp Genetics (formerly Invitae), Labcorp
Classification: Likely benign for Long QT syndrome. Last evaluated: 2023-07-22. Review status: criteria provided, single submitter. Criteria: Invitae Variant Classification Sherloc (09022015). Collection method: clinical testing. Allele origin: germline.